The following is an entry in ClinVar:

ClinVar aggregate classification (germline): Uncertain significance (1 of 4 stars; one submission).

Submission:

Labcorp Genetics (formerly Invitae), Labcorp
Classification: Uncertain significance. Last evaluated: 2022-11-08. Review status: criteria provided, single submitter. Criteria: Invitae Variant Classification Sherloc (09022015). Collection method: clinical testing. Allele origin: germline.
Comment: In summary, the available evidence is currently insufficient to determine the role of this variant in disease. Therefore, it has been classified as a Variant of Uncertain Significance. Advanced modeling of protein sequence and biophysical properties (such as structural, functional, and spatial information, amino acid conservation, physicochemical variation, residue mobility, and thermodynamic stability) performed at Invitae indicates that this missense variant is expected to disrupt PLXNA1 protein function. ClinVar contains an entry for this variant (Variation ID: 1524459). This variant has not been reported in the literature in individuals affected with PLXNA1-related conditions. This variant is not present in population databases (gnomAD no frequency). This sequence change replaces tyrosine, which is neutral and polar, with histidine, which is basic and polar, at codon 258 of the PLXNA1 protein (p.Tyr258His).

NM_032242.4(PLXNA1):c.772T>C (p.Tyr258His)

Gene: PLXNA1 (plexin A1; plus strand). Cytogenetic location: 3q21.3.
Variant type: single nucleotide variant.
Coding change: c.772T>C on transcript NM_032242.4 (MANE Select); coding-DNA position 772, T replaced by C.
Protein change: p.Tyr258His; replaces tyrosine 258 with histidine.
Molecular consequence: missense variant.
Genome position (GRCh38, 1-based): chr3:126,989,365, T>C. VCF-style: chr3-126989365-T-C. GRCh37 (hg19) VCF-style: chr3-126708208-T-C.
Other names: short protein forms Y258H.
Identifiers: ClinVar variation 1524459 (VCV001524459.6), dbSNP rs2107620298, ClinGen allele CA354372248.